The following is an entry in ClinVar:

NM_001127208.3(TET2):c.2794G>C (p.Asp932His)

Genes: TET2 (tet methylcytosine dioxygenase 2; plus strand), TET2-AS1 (TET2 antisense RNA 1; minus strand). Cytogenetic location: 4q24.
Variant type: single nucleotide variant.
Coding change: c.2794G>C on transcript NM_001127208.3 (MANE Select); coding-DNA position 2794, G replaced by C.
Protein change: p.Asp932His; replaces aspartic acid 932 with histidine.
Molecular consequence: missense variant.
Genome position (GRCh38, 1-based): chr4:105,236,736, G>C. VCF-style: chr4-105236736-G-C. GRCh37 (hg19) VCF-style: chr4-106157893-G-C.
Other names: c.2794G>C, p.Asp932His (NM_017628.4); short protein forms D932H.
Identifiers: ClinVar variation 3967477 (VCV003967477.1).

ClinVar aggregate classification (germline): Uncertain significance (1 of 4 stars; one submission).

Submission:

Ambry Genetics
Classification: Uncertain significance. Last evaluated: 2025-03-22. Review status: criteria provided, single submitter. Criteria: Ambry Variant Classification Scheme 2023. Collection method: clinical testing. Allele origin: germline.
Comment: The p.D932H variant (also known as c.2794G>C), located in coding exon 1 of the TET2 gene, results from a G to C substitution at nucleotide position 2794. The aspartic acid at codon 932 is replaced by histidine, an amino acid with similar properties. This amino acid position is conserved. In addition, this alteration is predicted to be tolerated by in silico analysis. Based on the available evidence, the clinical significance of this variant remains unclear.